The following is an entry in ClinVar:

NM_001291415.2(KDM6A):c.535G>A (p.Val179Met)

Gene: KDM6A (lysine demethylase 6A; plus strand). Cytogenetic location: Xp11.3.
Variant type: single nucleotide variant.
Coding change: c.535G>A on transcript NM_001291415.2 (MANE Select); coding-DNA position 535, G replaced by A.
Protein change: p.Val179Met; replaces valine 179 with methionine.
Molecular consequence: missense variant. On other transcripts: non-coding transcript variant (1), intron variant (1).
Genome position (GRCh38, 1-based): chrX:45,020,701, G>A. VCF-style: chrX-45020701-G-A. GRCh37 (hg19) VCF-style: chrX-44879946-G-A.
Other names: c.535G>A, p.Val179Met (NM_001291416.2, NM_001291417.2, NM_001291418.2 and 9 more transcripts); c.-190+9682G>A (NM_001291421.2); short protein forms V179M.
Identifiers: ClinVar variation 4975663 (VCV004975663.1).

ClinVar aggregate classification (germline): Uncertain significance (1 of 4 stars; one submission).

Submission:

GeneDx
Classification: Uncertain significance. Last evaluated: 2026-02-24. Review status: criteria provided, single submitter. Criteria: GeneDx Variant Classification Process June 2021. Collection method: clinical testing. Allele origin: germline.
Comment: Not observed at significant frequency in large population cohorts (gnomAD); In silico analysis supports that this missense variant has a deleterious effect on protein structure/function; Has not been previously published as pathogenic or benign to our knowledge